The following is an entry in ClinVar:

NM_005733.3(KIF20A):c.166G>A (p.Val56Ile)

Gene: KIF20A (kinesin family member 20A; plus strand). Cytogenetic location: 5q31.2.
Variant type: single nucleotide variant.
Coding change: c.166G>A on transcript NM_005733.3 (MANE Select); coding-DNA position 166, G replaced by A.
Protein change: p.Val56Ile; replaces valine 56 with isoleucine.
Molecular consequence: missense variant.
Genome position (GRCh38, 1-based): chr5:138,181,422, G>A. VCF-style: chr5-138181422-G-A. GRCh37 (hg19) VCF-style: chr5-137517111-G-A.
Other names: short protein forms V56I.
Identifiers: ClinVar variation 3618016 (VCV003618016.2).

ClinVar aggregate classification (germline): Uncertain significance (1 of 4 stars; one submission).

gnomAD v4.1: 3 of 1,613,500 alleles (0.00019%); highest among the groups gnomAD compares: Non-Finnish European, 0.00025%; no homozygotes.

Submission:

Labcorp Genetics (formerly Invitae), Labcorp
Classification: Uncertain significance. Last evaluated: 2024-04-16. Review status: criteria provided, single submitter. Criteria: Invitae Variant Classification Sherloc (09022015). Collection method: clinical testing. Allele origin: germline.
Comment: This sequence change replaces valine, which is neutral and non-polar, with isoleucine, which is neutral and non-polar, at codon 56 of the KIF20A protein (p.Val56Ile). This variant is present in population databases (no rsID available, gnomAD 0.0009%). This variant has not been reported in the literature in individuals affected with KIF20A-related conditions. Algorithms developed to predict the effect of missense changes on protein structure and function output the following: SIFT: "Not Available"; PolyPhen-2: "Benign"; Align-GVGD: "Not Available". The isoleucine amino acid residue is found in multiple mammalian species, which suggests that this missense change does not adversely affect protein function. In summary, the available evidence is currently insufficient to determine the role of this variant in disease. Therefore, it has been classified as a Variant of Uncertain Significance.